The following is an entry in ClinVar:

NM_002972.4(SBF1):c.3106C>G (p.Arg1036Gly)

Gene: SBF1 (SET binding factor 1; minus strand). Cytogenetic location: 22q13.33.
Variant type: single nucleotide variant.
Coding change: c.3106C>G on transcript NM_002972.4 (MANE Select); coding-DNA position 3106, C replaced by G.
Protein change: p.Arg1036Gly; replaces arginine 1036 with glycine.
Molecular consequence: missense variant.
Genome position (GRCh38, 1-based): chr22:50,460,574, G>C on the plus strand (C>G on the coding strand, the complement: SBF1 is on the minus strand). VCF-style: chr22-50460574-G-C. GRCh37 (hg19) VCF-style: chr22-50899003-G-C.
Other names: c.3109C>G, p.Arg1037Gly (NM_001365819.1, NM_001410794.1); c.3106C>G, p.Arg1036Gly (NM_001410795.1); short protein forms R1036G, R1037G.
Identifiers: ClinVar variation 3342588 (VCV003342588.2).

ClinVar aggregate classification (germline): Uncertain significance. Review status: criteria provided, multiple submitters, no conflicts (2 of 4 stars). 2 submissions from 2 submitters: Uncertain significance (2). Last evaluated 2025-10-22.

gnomAD v4.1: 37 of 1,613,978 alleles (0.0023%); highest among the groups gnomAD compares: Non-Finnish European, 0.003%; no homozygotes.

Submissions (2):

Ambry Genetics
Classification: Uncertain significance. Last evaluated: 2025-10-22. Review status: criteria provided, single submitter. Criteria: Ambry Variant Classification Scheme 2023. Collection method: clinical testing. Allele origin: germline.

GeneDx
Classification: Uncertain significance. Last evaluated: 2023-11-20. Review status: criteria provided, single submitter. Criteria: GeneDx Variant Classification Process June 2021. Collection method: clinical testing. Allele origin: germline. Affected: yes.
Comment: Not observed at significant frequency in large population cohorts (gnomAD); In silico analysis supports that this missense variant does not alter protein structure/function; Has not been previously published as pathogenic or benign to our knowledge